The following is an entry in ClinVar:

ClinVar aggregate classification (germline): Pathogenic. Review status: criteria provided, single submitter (1 of 4 stars). 2 submissions from 2 submitters: Pathogenic (1). 1 of the submissions does not count toward it. Last evaluated 2022-12-26.

Conditions:
Arrhythmogenic right ventricular cardiomyopathy (ARVD). Also called: Arrhythmogenic right ventricular dysplasia; Arrhythmogenic cardiomyopathy; Arrhythmogenic Right Ventricular Cardiomyopathy (ARVC); Cardiomyopathy, ARVC. Identifiers: Orphanet 247, MedGen C0349788, MeSH D019571, MONDO:0016587. Disease mechanism: loss of function. Inheritance: Various modes of inheritance.
Arrhythmogenic cardiomyopathy with wooly hair and keratoderma. Also called: Carvajal syndrome; PALMOPLANTAR KERATODERMA WITH LEFT VENTRICULAR CARDIOMYOPATHY AND WOOLLY HAIR; Arrhythmogenic cardiomyopathy with woolly hair and keratoderma; Dilated cardiomyopathy with woolly hair and keratoderma. Identifiers: Orphanet 65282, MedGen C1854063, MONDO:0011581, OMIM 605676.
Arrhythmogenic right ventricular dysplasia 8 (ARVD8). Also called: ARRHYTHMOGENIC RIGHT VENTRICULAR DYSPLASIA, FAMILIAL, 8; ARRHYTHMOGENIC RIGHT VENTRICULAR CARDIOMYOPATHY 8; Arrhythmogenic Right Ventricular Dysplasia/Cardiomyopathy 8. Identifiers: MedGen C1843896, MONDO:0011831, OMIM 607450.

Submissions (2):

Labcorp Genetics (formerly Invitae), Labcorp
Classification: Pathogenic for Arrhythmogenic cardiomyopathy with wooly hair and keratoderma; Arrhythmogenic right ventricular dysplasia 8. Last evaluated: 2022-12-26. Review status: criteria provided, single submitter. Criteria: Invitae Variant Classification Sherloc (09022015). Collection method: clinical testing. Allele origin: germline.
Comment: This sequence change creates a premature translational stop signal (p.Gln72*) in the DSP gene. It is expected to result in an absent or disrupted protein product. Loss-of-function variants in DSP are known to be pathogenic (PMID: 20716751, 24503780, 25227139). This variant is not present in population databases (gnomAD no frequency). This variant has not been reported in the literature in individuals affected with DSP-related conditions. ClinVar contains an entry for this variant (Variation ID: 44872). For these reasons, this variant has been classified as Pathogenic.

Laboratory for Molecular Medicine, Mass General Brigham Personalized Medicine
Classification: Likely pathogenic for Arrhythmogenic right ventricular cardiomyopathy. Last evaluated: 2008-05-16. Review status: no assertion criteria provided. Collection method: clinical testing. Allele origin: germline. Observed: 2 variant alleles. Not counted in ClinVar's aggregate classification.
Comment: The p.Gln72X variant in DSP has not been reported in the literature or in large population studies. This nonsense variant leads to a premature termination codon at position 72, which is predicted to lead to a truncated or absent protein. He terozygous loss of function of the DSP gene is an established disease mechanism in individuals with autosomal dominant ARVC. In summary, although additional stu dies are required to fully establish its clinical significance, this variant mee ts criteria to be classified as likely pathogenic for autosomal dominant ARVC. A CMG/AMP Criteria applied: PVS1, PM2.

Literature cited by the submitters: PubMed 20716751 (cited by Labcorp Genetics (formerly Invitae), Labcorp); PubMed 24503780 (cited by Labcorp Genetics (formerly Invitae), Labcorp); PubMed 25227139 (cited by Labcorp Genetics (formerly Invitae), Labcorp).

NM_004415.4(DSP):c.214C>T (p.Gln72Ter)

Gene: DSP (desmoplakin; plus strand). Cytogenetic location: 6p24.3.
Variant type: single nucleotide variant.
Coding change: c.214C>T on transcript NM_004415.4 (MANE Select); coding-DNA position 214, C replaced by T.
Protein change: p.Gln72Ter; replaces glutamine 72 with a stop codon.
Molecular consequence: nonsense.
Genome position (GRCh38, 1-based): chr6:7,555,761, C>T. VCF-style: chr6-7555761-C-T. GRCh37 (hg19) VCF-style: chr6-7555994-C-T.
Other names: c.214C>T, p.Gln72Ter (NM_001008844.3, NM_001319034.2); short protein forms Q72*.
Identifiers: ClinVar variation 44872 (VCV000044872.7), dbSNP rs397516923, ClinGen allele CA005299.